The following is an entry in ClinVar:

NM_002335.4(LRP5):c.3427+37C>T

Gene: LRP5 (LDL receptor related protein 5; plus strand). Cytogenetic location: 11q13.2.
Variant type: single nucleotide variant.
Coding change: c.3427+37C>T on transcript NM_002335.4 (MANE Select); 37 bases into the intron after coding-DNA position 3427, C replaced by T.
Molecular consequence: intron variant.
Genome position (GRCh38, 1-based): chr11:68,425,329, C>T. VCF-style: chr11-68425329-C-T. GRCh37 (hg19) VCF-style: chr11-68192797-C-T.
Other names: c.1684+37C>T (NM_001291902.2).
Identifiers: ClinVar variation 1707274 (VCV001707274.2), dbSNP rs2306863, ClinGen allele CA6149984.

ClinVar aggregate classification (germline): Likely benign (1 of 4 stars; one submission).

Allele frequency attached by ClinVar (database versions not stated): ESP Exome Variant Server 0.00015; TOPMed 0.00080; gnomAD 0.00118; ExAC 0.00155; 1000 Genomes Project 30x 0.00281; 1000 Genomes Project 0.00300.
gnomAD v4.1: 1,020 of 1,578,690 alleles (0.065%); highest among the groups gnomAD compares: East Asian, 1.3%; 6 homozygotes.

Submission:

GeneDx
Classification: Likely benign. Last evaluated: 2019-08-07. Review status: criteria provided, single submitter. Criteria: GeneDx Variant Classification Process June 2021. Collection method: clinical testing. Allele origin: germline. Affected: yes.
Comment: See Variant Classification Assertion Criteria.